The following is an entry in ClinVar:

NM_002382.5(MAX):c.410G>T (p.Gly137Val)

Gene: MAX (MYC associated transcriptional regulator X; minus strand). Cytogenetic location: 14q23.3.
Variant type: single nucleotide variant.
Coding change: c.410G>T on transcript NM_002382.5 (MANE Select); coding-DNA position 410, G replaced by T.
Protein change: p.Gly137Val; replaces glycine 137 with valine.
Molecular consequence: missense variant. On other transcripts: intron variant (2), 3 prime UTR variant (1).
Genome position (GRCh38, 1-based): chr14:65,076,549, C>A on the plus strand (G>T on the coding strand, the complement: MAX is on the minus strand). VCF-style: chr14-65076549-C-A. GRCh37 (hg19) VCF-style: chr14-65543267-C-A.
Other names: c.221G>T, p.Gly74Val (NM_001320415.2, NM_001407105.1, NM_001407106.1 and 1 more transcripts); c.410G>T, p.Gly137Val (NM_001407094.1); c.383G>T, p.Gly128Val (NM_001407095.1, NM_145112.3); c.*183G>T (NM_001407096.1, NM_001407099.1, NM_001407102.1 and 2 more transcripts); c.*199G>T (NM_001407097.1, NM_001407100.1, NM_001407101.1 and 4 more transcripts); c.302G>T, p.Gly101Val (NM_001407098.1); c.144+17159G>T (NM_001271069.2); c.171+17159G>T (NM_197957.4); and 1 more; short protein forms G128V, G70V, G101V, G137V, G74V.
Identifiers: ClinVar variation 1737913 (VCV001737913.3), dbSNP rs771696396, ClinGen allele CA390031481.

ClinVar aggregate classification (germline): Uncertain significance (1 of 4 stars; one submission).

Conditions:
Hereditary cancer-predisposing syndrome. Also called: Neoplastic Syndromes, Hereditary; Tumor predisposition; Hereditary Cancer Syndrome; Hereditary neoplastic syndrome. Identifiers: Orphanet 140162, MedGen C0027672, MeSH D009386, MONDO:0015356.

Submission:

Ambry Genetics
Classification: Uncertain significance for Hereditary cancer-predisposing syndrome. Last evaluated: 2025-09-02. Review status: criteria provided, single submitter. Criteria: Ambry Variant Classification Scheme 2023. Collection method: clinical testing. Allele origin: germline.
Comment: The p.G137V variant (also known as c.410G>T), located in coding exon 5 of the MAX gene, results from a G to T substitution at nucleotide position 410. The glycine at codon 137 is replaced by valine, an amino acid with dissimilar properties. This amino acid position is highly conserved in available vertebrate species. In addition, this alteration is predicted to be tolerated by in silico analysis. Since supporting evidence is limited at this time, the clinical significance of this alteration remains unclear.